The following is an entry in ClinVar:

ClinVar aggregate classification (germline): Uncertain significance. Review status: reviewed by expert panel (3 of 4 stars). 2 submissions from 2 submitters: Uncertain significance (1). 1 of the submissions does not count toward it. Last evaluated 2024-09-18.

Conditions:
Hereditary thrombocytopenia and hematologic cancer predisposition syndrome. Identifiers: Orphanet 71290, MedGen CN281654, MONDO:0011071.
Hereditary thrombocytopenia and hematological cancer predisposition syndrome associated with RUNX1. Also called: PLATELET DISORDER, ASPIRIN-LIKE; RUNX1 Familial Platelet Disorder with Associated Myeloid Malignancies; Familial Platelet Disorder with Propensity to Acute Myelogenous Leukemia; Familial thrombocytopenia with propensity to acute myelogenous leukemia. Identifiers: Orphanet 71290, MedGen C1832388, MeSH C563324, MONDO:0100083, OMIM 601399.

Submissions (2):

ClinGen Myeloid Malignancy Variant Curation Expert Panel
Classification: Uncertain significance for Hereditary thrombocytopenia and hematologic cancer predisposition syndrome. Last evaluated: 2024-09-18. Review status: reviewed by expert panel. Criteria: ClinGen MyeloMalig ACMG Specifications v2. Collection method: curation. Allele origin: germline. Inheritance: Autosomal dominant inheritance.
Comment: NM_001754.5(RUNX1):c.512A>T (p.Lys171Ile) is a missense variant which has a REVEL score ≥ 0.88 (0.942) (PP3). This missense variant is located within the Runt Homology Domain (AA 89-204), but does not occur in an established hotspot residue (PM1_supporting). This variant is completely absent from all population databases with at least 20x coverage for RUNX1 (PM2_supporting). In summary, the clinical significance of this variant is uncertain. ACMG/AMP criteria applied, as specified by the Myeloid Malignancy Variant Curation Expert Panel for RUNX1: PP3, PM1_supporting, PM2_supporting.

ISTH-SSC Genomics in Thrombosis and Hemostasis, KU Leuven, Center for Molecular and Vascular Biology
Classification: Uncertain significance for Hereditary thrombocytopenia and hematological cancer predisposition syndrome associated with RUNX1. Review status: no assertion criteria provided. Collection method: research. Allele origin: unknown. Affected: yes. Not counted in ClinVar's aggregate classification.
Comment: Submitted to GoldVariant by Neil Morgan from Birmingham Platelet Group, Birmingham, UK

NM_001754.5(RUNX1):c.512A>T (p.Lys171Ile)

Genes: RUNX1 (RUNX family transcription factor 1; minus strand), RUNX1-AS1 (RUNX1 antisense RNA 1; plus strand). Cytogenetic location: 21q22.12.
Variant type: single nucleotide variant.
Coding change: c.512A>T on transcript NM_001754.5 (MANE Select); coding-DNA position 512, A replaced by T.
Protein change: p.Lys171Ile; replaces lysine 171 with isoleucine.
Molecular consequence: missense variant.
Genome position (GRCh38, 1-based): chr21:34,859,575, T>A on the plus strand (A>T on the coding strand, the complement: RUNX1 is on the minus strand). VCF-style: chr21-34859575-T-A. GRCh37 (hg19) VCF-style: chr21-36231872-T-A.
Other names: NM_001754.5(RUNX1):c.512A>T; p.Lys171Ile; c.431A>T, p.Lys144Ile (NM_001001890.3, NM_001122607.2); short protein forms K144I, K171I.
Identifiers: ClinVar variation 1684386 (VCV001684386.2), dbSNP rs2146236944, ClinGen allele CA410208153.